The following is an entry in ClinVar:

ClinVar aggregate classification (germline): Uncertain significance (1 of 4 stars; one submission).

Submission:

Ambry Genetics
Classification: Uncertain significance. Last evaluated: 2023-03-11. Review status: criteria provided, single submitter. Criteria: Ambry Variant Classification Scheme 2023. Collection method: clinical testing. Allele origin: germline.
Comment: The p.K216E variant (also known as c.646A>G), located in coding exon 1 of the EGLN1 gene, results from an A to G substitution at nucleotide position 646. The lysine at codon 216 is replaced by glutamic acid, an amino acid with similar properties. This amino acid position is conserved. In addition, this alteration is predicted to be tolerated by in silico analysis. Since supporting evidence is limited at this time, the clinical significance of this alteration remains unclear.

NM_022051.3(EGLN1):c.646A>G (p.Lys216Glu)

Gene: EGLN1 (egl-9 family hypoxia inducible factor 1; minus strand). Cytogenetic location: 1q42.2.
Variant type: single nucleotide variant.
Coding change: c.646A>G on transcript NM_022051.3 (MANE Select); coding-DNA position 646, A replaced by G.
Protein change: p.Lys216Glu; replaces lysine 216 with glutamic acid.
Molecular consequence: missense variant.
Genome position (GRCh38, 1-based): chr1:231,421,243, T>C on the plus strand (A>G on the coding strand, the complement: EGLN1 is on the minus strand). VCF-style: chr1-231421243-T-C. GRCh37 (hg19) VCF-style: chr1-231556989-T-C.
Other names: c.646A>G, p.Lys216Glu (NM_001377260.1, NM_001377261.1); short protein forms K216E.
Identifiers: ClinVar variation 2450391 (VCV002450391.2), dbSNP rs2527359161, ClinGen allele CA345236151.